The following is an entry in ClinVar:

ClinVar aggregate classification (germline): Uncertain significance (1 of 4 stars; one submission).

Conditions:
Hereditary cancer-predisposing syndrome. Also called: Neoplastic Syndromes, Hereditary; Tumor predisposition; Hereditary Cancer Syndrome; Hereditary neoplastic syndrome. Identifiers: Orphanet 140162, MedGen C0027672, MeSH D009386, MONDO:0015356.

Submission:

Ambry Genetics
Classification: Uncertain significance for Hereditary cancer-predisposing syndrome. Last evaluated: 2026-04-30. Review status: criteria provided, single submitter. Criteria: Ambry Variant Classification Scheme 2023. Collection method: clinical testing. Allele origin: germline.
Comment: The p.L1410I variant (also known as c.4228C>A), located in coding exon 21 of the BLM gene, results from a C to A substitution at nucleotide position 4228. The leucine at codon 1410 is replaced by isoleucine, an amino acid with highly similar properties. This amino acid position is conserved. In addition, the in silico prediction for this alteration is inconclusive. Based on the available evidence, the clinical significance of this variant remains unclear.

NM_000057.4(BLM):c.4228C>A (p.Leu1410Ile)

Gene: BLM (BLM RecQ like helicase; plus strand). Cytogenetic location: 15q26.1.
Variant type: single nucleotide variant.
Coding change: c.4228C>A on transcript NM_000057.4 (MANE Select); coding-DNA position 4228, C replaced by A.
Protein change: p.Leu1410Ile; replaces leucine 1410 with isoleucine.
Molecular consequence: missense variant.
Genome position (GRCh38, 1-based): chr15:90,815,253, C>A. VCF-style: chr15-90815253-C-A. GRCh37 (hg19) VCF-style: chr15-91358483-C-A.
Other names: c.4228C>A, p.Leu1410Ile (NM_001287246.2); c.3835C>A, p.Leu1279Ile (NM_001287247.2); c.3103C>A, p.Leu1035Ile (NM_001287248.2); short protein forms L1035I, L1279I, L1410I.
Identifiers: ClinVar variation 4867500 (VCV004867500.1).